The following is an entry in ClinVar:

ClinVar aggregate classification (germline): Uncertain significance. Review status: criteria provided, multiple submitters, no conflicts (2 of 4 stars). 2 submissions from 2 submitters: Uncertain significance (2). Last evaluated 2025-03-17.

Allele frequency attached by ClinVar (database versions not stated): ExAC 0.00001; TOPMed 0.00001; gnomAD 0.00001.
gnomAD v4.1: 10 of 1,613,458 alleles (0.00062%); highest among the groups gnomAD compares: Non-Finnish European, 0.00085%; no homozygotes.

Submissions (2):

Labcorp Genetics (formerly Invitae), Labcorp
Classification: Uncertain significance. Last evaluated: 2025-03-17. Review status: criteria provided, single submitter. Criteria: Invitae Variant Classification Sherloc (09022015). Collection method: clinical testing. Allele origin: germline.
Comment: This sequence change replaces isoleucine, which is neutral and non-polar, with asparagine, which is neutral and polar, at codon 4368 of the HMCN1 protein (p.Ile4368Asn). This variant is present in population databases (rs748982475, gnomAD 0.002%). This variant has not been reported in the literature in individuals affected with HMCN1-related conditions. ClinVar contains an entry for this variant (Variation ID: 2979660). An algorithm developed to predict the effect of missense changes on protein structure and function (PolyPhen-2) suggests that this variant is likely to be disruptive. In summary, the available evidence is currently insufficient to determine the role of this variant in disease. Therefore, it has been classified as a Variant of Uncertain Significance.

Ambry Genetics
Classification: Uncertain significance. Last evaluated: 2024-12-28. Review status: criteria provided, single submitter. Criteria: Ambry Variant Classification Scheme 2023. Collection method: clinical testing. Allele origin: germline.

NM_031935.3(HMCN1):c.13103T>A (p.Ile4368Asn)

Gene: HMCN1 (hemicentin 1; plus strand). Cytogenetic location: 1q31.1.
Variant type: single nucleotide variant.
Coding change: c.13103T>A on transcript NM_031935.3 (MANE Select); coding-DNA position 13103, T replaced by A.
Protein change: p.Ile4368Asn; replaces isoleucine 4368 with asparagine.
Molecular consequence: missense variant.
Genome position (GRCh38, 1-based): chr1:186,130,570, T>A. VCF-style: chr1-186130570-T-A. GRCh37 (hg19) VCF-style: chr1-186099702-T-A.
Other names: c.13103T>A (NM_031935.2); short protein forms I4368N.
Identifiers: ClinVar variation 2979660 (VCV002979660.4), dbSNP rs748982475, ClinGen allele CA1294550.